The following is an entry in ClinVar:

NM_000352.6(ABCC8):c.4439A>C (p.Asn1480Thr)

Gene: ABCC8 (ATP binding cassette subfamily C member 8; minus strand). Cytogenetic location: 11p15.1.
Variant type: single nucleotide variant.
Coding change: c.4439A>C on transcript NM_000352.6 (MANE Select); coding-DNA position 4439, A replaced by C.
Protein change: p.Asn1480Thr; replaces asparagine 1480 with threonine.
Molecular consequence: missense variant. On other transcripts: non-coding transcript variant (1).
Genome position (GRCh38, 1-based): chr11:17,394,372, T>G on the plus strand (A>C on the coding strand, the complement: ABCC8 is on the minus strand). VCF-style: chr11-17394372-T-G. GRCh37 (hg19) VCF-style: chr11-17415919-T-G.
Other names: c.4442A>C, p.Asn1481Thr (NM_001287174.3); c.4505A>C, p.Asn1502Thr (NM_001351295.2); c.4439A>C, p.Asn1480Thr (NM_001351296.2); c.4436A>C, p.Asn1479Thr (NM_001351297.2); short protein forms N1479T, N1480T, N1481T, N1502T.
Identifiers: ClinVar variation 1312860 (VCV001312860.2), dbSNP rs2133395261, ClinGen allele CA379783596.

ClinVar aggregate classification (germline): Uncertain significance (1 of 4 stars; one submission).

Submission:

GeneDx
Classification: Uncertain significance. Last evaluated: 2020-06-24. Review status: criteria provided, single submitter. Criteria: GeneDx Variant Classification Process June 2021. Collection method: clinical testing. Allele origin: germline. Affected: yes.
Comment: Not observed in large population cohorts (Lek et al., 2016); In silico analysis supports that this missense variant has a deleterious effect on protein structure/function; Has not been previously published as pathogenic or benign to our knowledge